The following is an entry in ClinVar:

ClinVar aggregate classification (germline): Likely benign. Review status: criteria provided, multiple submitters, no conflicts (2 of 4 stars). 2 submissions from 2 submitters: Likely benign (2). Last evaluated 2025-05-28.

Conditions:
NPHP1-related disorder. Also called: NPHP1-related disorders; NPHP1-related condition.
Nephronophthisis. Also called: Juvenile Nephronophthisis. Identifiers: Orphanet 655, MedGen C0687120, MONDO:0019005, HP:0000090.

Allele frequency attached by ClinVar (database versions not stated): gnomAD exomes below 0.00001 and 0.00002; gnomAD 0.00001; ExAC 0.00002; TOPMed 0.00002; 1000 Genomes Project 0.00020; 1000 Genomes Project 30x 0.00031.
gnomAD v4.1: 8 of 1,608,490 alleles (0.0005%); highest among the groups gnomAD compares: East Asian, 0.0045%; no homozygotes.

Submissions (2):

PreventionGenetics, part of Exact Sciences
Classification: Likely benign for NPHP1-related condition. Last evaluated: 2025-05-28. Review status: criteria provided, single submitter. Criteria: ACMG Guidelines, 2015. Collection method: clinical testing. Allele origin: germline.
Comment: This variant is classified as likely benign based on ACMG/AMP sequence variant interpretation guidelines (Richards et al. 2015 PMID: 25741868, with internal and published modifications).

Labcorp Genetics (formerly Invitae), Labcorp
Classification: Likely benign for Nephronophthisis. Last evaluated: 2025-01-06. Review status: criteria provided, single submitter. Criteria: Invitae Variant Classification Sherloc (09022015). Collection method: clinical testing. Allele origin: germline.

NM_001128178.3(NPHP1):c.963G>A (p.Ser321=)

Gene: NPHP1 (nephrocystin 1; minus strand). Cytogenetic location: 2q13.
Variant type: single nucleotide variant.
Coding change: c.963G>A on transcript NM_001128178.3 (MANE Select); coding-DNA position 963, G replaced by A.
Protein change: p.Ser321=; no amino-acid change (serine 321 retained).
Molecular consequence: synonymous variant.
Genome position (GRCh38, 1-based): chr2:110,160,247, C>T on the plus strand (G>A on the coding strand, the complement: NPHP1 is on the minus strand). VCF-style: chr2-110160247-C-T. GRCh37 (hg19) VCF-style: chr2-110917824-C-T.
Other names: c.1131G>A, p.Ser377= (NM_000272.5); c.774G>A, p.Ser258= (NM_001128179.3); c.960G>A, p.Ser320= (NM_001374256.1); c.963G>A, p.Ser321= (NM_001374257.1); c.1128G>A, p.Ser376= (NM_207181.4).
Identifiers: ClinVar variation 731033 (VCV000731033.7), dbSNP rs533125951, ClinGen allele CA1827154.